The following is an entry in ClinVar:

NM_016341.4(PLCE1):c.4724G>C (p.Arg1575Pro)

Genes: PLCE1 (phospholipase C epsilon 1; plus strand), PLCE1-AS1 (PLCE1 antisense RNA 1; minus strand). Cytogenetic location: 10q23.33.
Variant type: single nucleotide variant.
Coding change: c.4724G>C on transcript NM_016341.4 (MANE Select); coding-DNA position 4724, G replaced by C.
Protein change: p.Arg1575Pro; replaces arginine 1575 with proline.
Molecular consequence: missense variant. On other transcripts: non-coding transcript variant (1).
Genome position (GRCh38, 1-based): chr10:94,279,840, G>C. VCF-style: chr10-94279840-G-C. GRCh37 (hg19) VCF-style: chr10-96039597-G-C.
Other names: c.3800G>C, p.Arg1267Pro (NM_001165979.2); c.4676G>C, p.Arg1559Pro (NM_001288989.2); short protein forms R1575P, R1559P, R1267P.
Identifiers: ClinVar variation 260720 (VCV000260720.24), dbSNP rs2274224, ClinGen allele CA5613212.

ClinVar aggregate classification (germline): Benign. Review status: criteria provided, multiple submitters, no conflicts (2 of 4 stars). 12 submissions from 12 submitters: Benign (11). 1 of the submissions does not count toward it. Last evaluated 2026-02-03.

Conditions:
Focal segmental glomerulosclerosis (FSGS). Also called: Glomerulosclerosis, focal; Focal sclerosis with hyalinosis. Identifiers: MedGen C0017668, MONDO:0100313, HP:0000097. Disease mechanism: loss of function.
Nephrotic syndrome, type 3 (NPHS3). Also called: NEPHROTIC SYNDROME, EARLY-ONSET, TYPE 3. Identifiers: Orphanet 656, MedGen C1853124, MONDO:0012546, OMIM 610725.

Allele frequency attached by ClinVar (database versions not stated): TOPMed 0.47503; ESP Exome Variant Server 0.47594; 1000 Genomes Project 0.48622; 1000 Genomes Project 30x 0.48923.
gnomAD v4.1: 710,935 of 1,611,868 alleles (44%); highest among the groups gnomAD compares: Middle Eastern, 57%; 158,498 homozygotes.

Submissions (12):

Labcorp Genetics (formerly Invitae), Labcorp
Classification: Benign. Last evaluated: 2026-02-03. Review status: criteria provided, single submitter. Criteria: Invitae Variant Classification Sherloc (09022015). Collection method: clinical testing. Allele origin: germline.

Blueprint Genetics
Classification: Benign. Last evaluated: 2024-11-27. Review status: criteria provided, single submitter. Criteria: ACMG Guidelines, 2015. Collection method: clinical testing. Allele origin: germline.

Unidad de Genómica Garrahan, Hospital de Pediatría Garrahan
Classification: Benign. Last evaluated: 2024-07-15. Review status: criteria provided, single submitter. Criteria: ACMG Guidelines, 2015. Collection method: clinical testing. Allele origin: germline. Affected: no. Observed: 50 variant alleles.
Comment: This variant is classified as Benign based on local population frequency. This variant was detected in 54% of patients studied in a panel designed for Epileptic and Developmental Encephalopathy and Progressive Myoclonus Epilepsy. Number of patients: 50. Only high quality variants are reported.

Mayo Clinic Laboratories, Mayo Clinic
Classification: Benign. Last evaluated: 2022-11-16. Review status: criteria provided, single submitter. Criteria: ACMG Guidelines, 2015. Collection method: clinical testing. Allele origin: germline. Observed: 94 variant alleles.
Comment: BA1, BP4

Genome Diagnostics Laboratory, The Hospital for Sick Children
Classification: Benign for Focal segmental glomerulosclerosis. Last evaluated: 2022-09-27. Review status: criteria provided, single submitter. Criteria: ACMG Guidelines, 2015. Collection method: clinical testing. Allele origin: germline.

Genome-Nilou Lab
Classification: Benign for Nephrotic syndrome, type 3. Last evaluated: 2021-10-25. Review status: criteria provided, single submitter. Criteria: ACMG Guidelines, 2015. Collection method: clinical testing. Allele origin: germline. Affected: no.

GeneDx
Classification: Benign. Last evaluated: 2018-11-12. Review status: criteria provided, single submitter. Criteria: GeneDx Variant Classification Process June 2021. Collection method: clinical testing. Allele origin: germline. Affected: yes.
Comment: This variant is associated with the following publications: (PMID: 23688607, 29083407)

Illumina Laboratory Services, Illumina
Classification: Benign for Nephrotic syndrome, type 3. Last evaluated: 2018-01-13. Review status: criteria provided, single submitter. Criteria: ICSL Variant Classification Criteria 13 December 2019. Collection method: clinical testing. Allele origin: germline.
Comment: This variant was observed in the ICSL laboratory as part of a predisposition screen in an ostensibly healthy population. It had not been previously curated by ICSL or reported in the Human Gene Mutation Database (HGMD: prior to June 1st, 2018), and was therefore a candidate for classification through an automated scoring system. Utilizing variant allele frequency, disease prevalence and penetrance estimates, and inheritance mode, an automated score was calculated to assess if this variant is too frequent to cause the disease. Based on the score and internal cut-off values, a variant classified as benign is not then subjected to further curation. The score for this variant resulted in a classification of benign for this disease.

Genome Diagnostics Laboratory, University Medical Center Utrecht
Classification: Benign for Nephrotic syndrome, type 3. Last evaluated: 2014-10-09. Review status: criteria provided, single submitter. Criteria: ACGS Guidelines, 2013. Collection method: clinical testing. Allele origin: germline. Affected: yes. Study: VKGL Data-share Consensus.

Breakthrough Genomics
Classification: Benign. Review status: criteria provided, single submitter. Criteria: ACMG Guidelines, 2015. Collection method: not provided. Allele origin: germline. Inheritance: Autosomal recessive inheritance. Affected: yes.

PreventionGenetics, part of Exact Sciences
Classification: Benign. Review status: criteria provided, single submitter. Criteria: ACMG Guidelines, 2015. Collection method: clinical testing. Allele origin: germline.

Diagnostic Laboratory, Department of Genetics, University Medical Center Groningen
Classification: Benign for Nephrotic syndrome, type 3. Review status: no assertion criteria provided. Collection method: clinical testing. Allele origin: germline. Affected: yes. Study: VKGL Data-share Consensus. Not counted in ClinVar's aggregate classification.